The following is an entry in ClinVar:

NM_007294.4(BRCA1):c.1139A>C (p.Gln380Pro)

Gene: BRCA1 (BRCA1 DNA repair associated; minus strand). Cytogenetic location: 17q21.31.
Variant type: single nucleotide variant.
Coding change: c.1139A>C on transcript NM_007294.4 (MANE Select); coding-DNA position 1139, A replaced by C.
Protein change: p.Gln380Pro; replaces glutamine 380 with proline.
Molecular consequence: missense variant. On other transcripts: intron variant (137).
Genome position (GRCh38, 1-based): chr17:43,094,392, T>G on the plus strand (A>C on the coding strand, the complement: BRCA1 is on the minus strand). VCF-style: chr17-43094392-T-G. GRCh37 (hg19) VCF-style: chr17-41246409-T-G.
Other names: c.998A>C, p.Gln333Pro (NM_001407850.1, NM_001407851.1, NM_001407852.1 and 29 more transcripts); c.995A>C, p.Gln332Pro (NM_001407964.1, NM_001407740.1, NM_001407741.1 and 20 more transcripts); c.635A>C, p.Gln212Pro (NM_001407965.1); c.251A>C, p.Gln84Pro (NM_001407966.1, NM_001407967.1); c.926A>C, p.Gln309Pro (NM_001407853.1, NM_001407894.1, NM_001407895.1 and 9 more transcripts); c.929A>C, p.Gln310Pro (NM_001407881.1, NM_001407882.1, NM_001407884.1 and 13 more transcripts); c.1139A>C, p.Gln380Pro (NM_007300.4, NM_001407642.1, NM_001407684.1 and 30 more transcripts); c.646+352A>C (NM_001408458.1, NM_001408469.1, NM_001408453.1 and 11 more transcripts); and 40 more; short protein forms Q380P, Q333P, Q310P, Q339P, Q377P, Q379P, Q269P, Q291P.
Identifiers: ClinVar variation 231499 (VCV000231499.15), dbSNP rs876659193, ClinGen allele CA10580678.

ClinVar aggregate classification (germline): Conflicting classifications of pathogenicity. Review status: criteria provided, conflicting classifications (1 of 4 stars). 4 submissions from 4 submitters: Uncertain significance (2); Likely benign (2). Last evaluated 2026-07-15.

Conditions:
Hereditary cancer-predisposing syndrome. Also called: Hereditary Cancer Syndrome; Tumor predisposition; Hereditary neoplastic syndrome; Neoplastic Syndromes, Hereditary. Identifiers: Orphanet 140162, MedGen C0027672, MeSH D009386, MONDO:0015356.
Hereditary breast ovarian cancer syndrome. Also called: Breast and ovarian cancer; Hereditary breast and ovarian cancer syndrome; BRCA1- and BRCA2-Associated Hereditary Breast and Ovarian Cancer; Hereditary breast and ovarian cancer syndrome (HBOC); Hereditary breast and/or ovarian cancer syndrome; Hereditary breast and ovarian cancer. Identifiers: Orphanet 145, MedGen C0677776, MeSH D061325, MONDO:0003582. Disease mechanism: loss of function.
Breast-ovarian cancer, familial, susceptibility to, 1 (BROVCA1). Also called: OVARIAN CANCER, SUSCEPTIBILITY TO; BRCA1 Hereditary Breast and Ovarian Cancer. Identifiers: Orphanet 145, MedGen C2676676, MONDO:0011450, OMIM 604370. Disease mechanism: loss of function.

Allele frequency attached by ClinVar (database versions not stated): TOPMed below 0.00001.

Submissions (4):

Myriad Genetics, Inc.
Classification: Likely benign for Breast-ovarian cancer, familial, susceptibility to, 1. Last evaluated: 2026-07-15. Review status: criteria provided, single submitter. Criteria: Myriad Autosomal Dominant, Autosomal Recessive and X-Linked Classification Criteria (2023). Collection method: clinical testing. Allele origin: unknown.
Comment: This variant is considered likely benign. This variant is strongly associated with less severe personal and family histories of cancer, typical for individuals without pathogenic variants in this gene [PMID: 25085752].

Labcorp Genetics (formerly Invitae), Labcorp
Classification: Uncertain significance for Hereditary breast ovarian cancer syndrome. Last evaluated: 2025-09-25. Review status: criteria provided, single submitter. Criteria: Invitae Variant Classification Sherloc (09022015). Collection method: clinical testing. Allele origin: germline.
Comment: This sequence change replaces glutamine, which is neutral and polar, with proline, which is neutral and non-polar, at codon 380 of the BRCA1 protein (p.Gln380Pro). This variant is not present in population databases (gnomAD no frequency). This variant has not been reported in the literature in individuals affected with BRCA1-related conditions. ClinVar contains an entry for this variant (Variation ID: 231499). Invitae Evidence Modeling of protein sequence and biophysical properties (such as structural, functional, and spatial information, amino acid conservation, physicochemical variation, residue mobility, and thermodynamic stability) indicates that this missense variant is expected to disrupt BRCA1 protein function with a positive predictive value of 80%. In summary, the available evidence is currently insufficient to determine the role of this variant in disease. Therefore, it has been classified as a Variant of Uncertain Significance.

University of Washington Department of Laboratory Medicine, University of Washington
Classification: Likely benign for Hereditary cancer-predisposing syndrome. Last evaluated: 2023-03-23. Review status: criteria provided, single submitter. Criteria: Dines et al. (Genet Med. 2020). Collection method: curation. Allele origin: germline.
Comment: Missense variant in a coldspot region where missense variants are very unlikely to be pathogenic (PMID:31911673).

BRCA1 coldspot (exon 11 using historical exon numbering). Reclassification based on statistical prior probability

Ambry Genetics
Classification: Uncertain significance for Hereditary cancer-predisposing syndrome. Last evaluated: 2015-04-28. Review status: criteria provided, single submitter. Criteria: Ambry Variant Classification Scheme 2023. Collection method: clinical testing. Allele origin: germline.
Comment: The p.Q380P variant (also known as c.1139A>C or 1258A>C), located in coding exon 9 of the BRCA1 gene, results from an A to C substitution at nucleotide position 1139. The glutamine at codon 380 is replaced by proline, an amino acid with similar properties. This variant was not reported in population based cohorts in the following databases: Database of Single Nucleotide Polymorphisms (dbSNP), NHLBI Exome Sequencing Project (ESP), and 1000 Genomes Project. In the ESP, this variant was not observed in 6503 samples (13006 alleles) with coverage of 6503 at this position. To date, this alteration has been detected with an allele frequency of approximately 0.001% (greater than 150000 alleles tested) in our clinical cohort. This amino acid position is well conserved in available vertebrate species. In addition, this alteration is predicted to be deleterious by in silico analysis. Since supporting evidence is limited at this time, the clinical significance of p.Q380P remains unclear.

Literature cited by the submitters: PubMed 25085752 (cited by Myriad Genetics, Inc.).